The following is an entry in ClinVar:

NM_000020.3(ACVRL1):c.253G>A (p.Val85Ile)

Gene: ACVRL1 (activin A receptor like type 1; plus strand). Cytogenetic location: 12q13.13.
Variant type: single nucleotide variant.
Coding change: c.253G>A on transcript NM_000020.3 (MANE Select); coding-DNA position 253, G replaced by A.
Protein change: p.Val85Ile; replaces valine 85 with isoleucine.
Molecular consequence: missense variant.
Genome position (GRCh38, 1-based): chr12:51,913,290, G>A. VCF-style: chr12-51913290-G-A. GRCh37 (hg19) VCF-style: chr12-52307074-G-A.
Other names: c.253G>A, p.Val85Ile (NM_001077401.2); short protein forms V85I.
Identifiers: ClinVar variation 1216542 (VCV001216542.8), dbSNP rs373779426, ClinGen allele CA6572843.

ClinVar aggregate classification (germline): Conflicting classifications of pathogenicity. Review status: criteria provided, conflicting classifications (1 of 4 stars). 3 submissions from 3 submitters: Uncertain significance (2); Benign (1). Last evaluated 2025-08-29.

Conditions:
Telangiectasia, hereditary hemorrhagic, type 2 (HHT2). Also called: ACVRL1-Related Hereditary Hemorrhagic Telangiectasia; Telangiectasia, hereditary hemorrhagic, type II. Identifiers: Orphanet 774, MedGen C1838163, MONDO:0010880, OMIM 600376. Disease mechanism: loss of function.
Cardiovascular phenotype. Identifiers: MedGen CN230736.

Allele frequency attached by ClinVar (database versions not stated): TOPMed 0.00005; ESP Exome Variant Server 0.00008; gnomAD exomes 0.00009 and 0.00003; gnomAD 0.00001 and 0.00002; ExAC 0.00003.

Submissions (3):

Ambry Genetics
Classification: Benign for Cardiovascular phenotype. Last evaluated: 2025-08-29. Review status: criteria provided, single submitter. Criteria: Ambry Variant Classification Scheme 2023. Collection method: clinical testing. Allele origin: germline.

Fulgent Genetics
Classification: Uncertain significance for Telangiectasia, hereditary hemorrhagic, type 2. Last evaluated: 2024-05-31. Review status: criteria provided, single submitter. Criteria: ACMG Guidelines, 2015. Collection method: clinical testing. Allele origin: germline.

GeneDx
Classification: Uncertain significance. Last evaluated: 2021-03-16. Review status: criteria provided, single submitter. Criteria: GeneDx Variant Classification Process June 2021. Collection method: clinical testing. Allele origin: germline. Affected: yes.
Comment: Has not been previously published as pathogenic or benign to our knowledge; In silico analysis supports that this missense variant does not alter protein structure/function